The following is an entry in ClinVar:

ClinVar aggregate classification (germline): Pathogenic (1 of 4 stars; one submission).

Conditions:
Alagille syndrome due to a JAG1 point mutation. Also called: HEPATIC DUCTULAR HYPOPLASIA, SYNDROMATIC; JAG1-Related Alagille Syndrome; Alagille Syndrome 1. Identifiers: Orphanet 261619, Orphanet 52, MedGen C1956125, MONDO:0016862, OMIM 118450.

Submission:

Labcorp Genetics (formerly Invitae), Labcorp
Classification: Pathogenic for Alagille syndrome due to a JAG1 point mutation. Last evaluated: 2020-07-18. Review status: criteria provided, single submitter. Criteria: Invitae Variant Classification Sherloc (09022015). Collection method: clinical testing. Allele origin: germline.
Comment: This sequence change creates a premature translational stop signal (p.Gly610Glufs*133) in the JAG1 gene. It is expected to result in an absent or disrupted protein product. This variant is not present in population databases (ExAC no frequency). This variant has not been reported in the literature in individuals with JAG1-related conditions. Loss-of-function variants in JAG1 are known to be pathogenic (PMID: 11180599). For these reasons, this variant has been classified as Pathogenic.

Literature cited by the submitters: PubMed 11180599.

NM_000214.3(JAG1):c.1829del (p.Gly610fs)

Gene: JAG1 (jagged canonical Notch ligand 1; minus strand). Cytogenetic location: 20p12.2.
Variant type: Deletion.
Coding change: c.1829del on transcript NM_000214.3 (MANE Select); coding-DNA position 1829, one base deleted (G; older notation c.1829delG).
Protein change: p.Gly610fs; shifts the reading frame from glycine 610.
Molecular consequence: frameshift variant.
Genome position (GRCh38, 1-based): chr20:10,646,995, C deleted on the plus strand (G on the coding strand, the reverse complement: JAG1 is on the minus strand); the first of 3 consecutive C bases (chr20:10,646,995-10,646,997); deleting any one gives the same sequence. VCF-style (leftmost placement, unchanged base first): chr20-10646994-TC-T. GRCh37 (hg19) VCF-style: chr20-10627642-TC-T.
Other names: short protein forms G610fs.
Identifiers: ClinVar variation 1074174 (VCV001074174.7), dbSNP rs2122606192, ClinGen allele CA2499225670.